The following is an entry in ClinVar:

NM_000038.6(APC):c.6234T>C (p.Leu2078=)

Gene: APC (APC regulator of Wnt signaling pathway; plus strand). Cytogenetic location: 5q22.2.
Variant type: single nucleotide variant.
Coding change: c.6234T>C on transcript NM_000038.6 (MANE Select); coding-DNA position 6234, T replaced by C.
Protein change: p.Leu2078=; no amino-acid change (leucine 2078 retained).
Molecular consequence: synonymous variant.
Genome position (GRCh38, 1-based): chr5:112,841,828, T>C. VCF-style: chr5-112841828-T-C. GRCh37 (hg19) VCF-style: chr5-112177525-T-C.
Other names: c.6234T>C, p.Leu2078= (NM_001127510.3, NM_001354895.2); c.6180T>C, p.Leu2060= (NM_001127511.3); c.6288T>C, p.Leu2096= (NM_001354896.2); c.6264T>C, p.Leu2088= (NM_001354897.2); c.6159T>C, p.Leu2053= (NM_001354898.2); c.6150T>C, p.Leu2050= (NM_001354899.2); c.6111T>C, p.Leu2037= (NM_001354900.2); c.6057T>C, p.Leu2019= (NM_001354901.2); and 5 more.
Identifiers: ClinVar variation 1158817 (VCV001158817.13), dbSNP rs1766168375, ClinGen allele CA446209467.

ClinVar aggregate classification (germline): Benign/Likely benign. Review status: criteria provided, multiple submitters, no conflicts (2 of 4 stars). 3 submissions from 3 submitters: Benign (1); Likely benign (2). Last evaluated 2025-08-13.

Conditions:
Familial adenomatous polyposis 1 (FAP1). Also called: POLYPOSIS, ADENOMATOUS INTESTINAL; FAMILIAL ADENOMATOUS POLYPOSIS 1, ATTENUATED. Identifiers: MedGen C2713442, MONDO:0021056, OMIM 175100. Disease mechanism: loss of function.
Hereditary cancer-predisposing syndrome. Also called: Tumor predisposition; Neoplastic Syndromes, Hereditary; Hereditary Cancer Syndrome; Hereditary neoplastic syndrome. Identifiers: Orphanet 140162, MedGen C0027672, MeSH D009386, MONDO:0015356.

Submissions (3):

Labcorp Genetics (formerly Invitae), Labcorp
Classification: Likely benign for Familial adenomatous polyposis 1. Last evaluated: 2025-08-13. Review status: criteria provided, single submitter. Criteria: Invitae Variant Classification Sherloc (09022015). Collection method: clinical testing. Allele origin: germline.

Myriad Genetics, Inc.
Classification: Benign for Familial adenomatous polyposis 1. Last evaluated: 2024-04-04. Review status: criteria provided, single submitter. Criteria: Myriad Autosomal Dominant, Autosomal Recessive and X-Linked Classification Criteria (2023). Collection method: clinical testing. Allele origin: unknown.
Comment: This variant is considered benign. This variant is a silent/synonymous amino acid change and it is not expected to impact splicing.

Ambry Genetics
Classification: Likely benign for Hereditary cancer-predisposing syndrome. Last evaluated: 2021-08-12. Review status: criteria provided, single submitter. Criteria: Ambry Variant Classification Scheme 2023. Collection method: clinical testing. Allele origin: germline.